The following is an entry in ClinVar:

NM_005869.4(CWC27):c.749+1G>T

Gene: CWC27 (CWC27 spliceosome associated cyclophilin; plus strand). Cytogenetic location: 5q12.3.
Variant type: single nucleotide variant.
Coding change: c.749+1G>T on transcript NM_005869.4 (MANE Select); the canonical splice donor site of the intron after coding-DNA position 749, G replaced by T.
Molecular consequence: splice donor variant.
Genome position (GRCh38, 1-based): chr5:64,800,328, G>T. VCF-style: chr5-64800328-G-T. GRCh37 (hg19) VCF-style: chr5-64096155-G-T.
Other names: c.749+1G>T (NM_001297644.1, NM_001364478.1, NM_001318000.2 and 1 more transcripts).
Identifiers: ClinVar variation 2039043 (VCV002039043.4), dbSNP rs182274413, ClinGen allele CA3282063.
Genomic context (GRCh38, chr5:64,800,328, plus strand): 5'-AAGTAGTCATGACTTGCTTAAGGATGATCCACATCTCAGTTCTGTTCCAGTTGTAGAAAG[G>T]TTAGTCCATTGTTGGTATGATCCTAAGTTCTTAATTTTCTGGCTCAGATAATTTTCTTGC-3'

ClinVar aggregate classification (germline): Likely pathogenic (1 of 4 stars; one submission).

Allele frequency attached by ClinVar (database versions not stated): gnomAD exomes below 0.00001; gnomAD 0.00001; ExAC 0.00002.
gnomAD v4.1: 7 of 1,601,648 alleles (0.00044%); highest among the groups gnomAD compares: African/African-American, 0.0027%; no homozygotes.

Submission:

Labcorp Genetics (formerly Invitae), Labcorp
Classification: Likely pathogenic. Last evaluated: 2021-12-09. Review status: criteria provided, single submitter. Criteria: Invitae Variant Classification Sherloc (09022015). Collection method: clinical testing. Allele origin: germline.
Comment: This sequence change affects a donor splice site in intron 8 of the CWC27 gene. It is expected to disrupt RNA splicing. Variants that disrupt the donor or acceptor splice site typically lead to a loss of protein function (PMID: 16199547), and loss-of-function variants in CWC27 are known to be pathogenic (PMID: 28285769). In summary, the currently available evidence indicates that the variant is pathogenic, but additional data are needed to prove that conclusively. Therefore, this variant has been classified as Likely Pathogenic. Algorithms developed to predict the effect of sequence changes on RNA splicing suggest that this variant may disrupt the consensus splice site. This variant has not been reported in the literature in individuals affected with CWC27-related conditions. This variant is present in population databases (rs182274413, gnomAD 0.008%).

Literature cited by the submitters: PubMed 16199547; PubMed 28285769.